The following is an entry in ClinVar:

ClinVar aggregate classification (germline): Pathogenic (1 of 4 stars; one submission).

Submission:

Labcorp Genetics (formerly Invitae), Labcorp
Classification: Pathogenic. Last evaluated: 2023-06-11. Review status: criteria provided, single submitter. Criteria: Invitae Variant Classification Sherloc (09022015). Collection method: clinical testing. Allele origin: germline.
Comment: For these reasons, this variant has been classified as Pathogenic. This variant has not been reported in the literature in individuals affected with ADGRV1-related conditions. This variant is not present in population databases (gnomAD no frequency). This sequence change creates a premature translational stop signal (p.Thr4489Argfs*20) in the ADGRV1 gene. It is expected to result in an absent or disrupted protein product. Loss-of-function variants in ADGRV1 are known to be pathogenic (PMID: 19357117, 22135276, 22147658, 26226137, 30718709, 31047384, 32467589).

Literature cited by the submitters: PubMed 19357117; PubMed 22135276; PubMed 22147658; PubMed 26226137; PubMed 30718709; PubMed 31047384; PubMed 32467589.

NM_032119.4(ADGRV1):c.13466_13467del (p.Thr4489fs)

Gene: ADGRV1 (adhesion G protein-coupled receptor V1; plus strand). Cytogenetic location: 5q14.3.
Variant type: Deletion.
Coding change: c.13466_13467del on transcript NM_032119.4 (MANE Select); coding-DNA positions 13466 to 13467, 2 bases deleted (CT; older notation c.13466_13467delCT).
Protein change: p.Thr4489fs; shifts the reading frame from threonine 4489.
Molecular consequence: frameshift variant. On other transcripts: non-coding transcript variant (1).
Genome position (GRCh38, 1-based): chr5:90,783,870-90,783,871, CT deleted. VCF-style (leftmost placement, unchanged base first): chr5-90783869-ACT-A. GRCh37 (hg19) VCF-style: chr5-90079686-ACT-A.
Other names: short protein forms T4489fs.
Identifiers: ClinVar variation 2711696 (VCV002711696.3), dbSNP rs2531936875, ClinGen allele CA2697546250.
Genomic context (GRCh38, chr5:90,783,869, plus strand): 5'-TCACAGAATTGCTCCTTCTTGCCATGCAGTGAATTTGAGGAGCCCATTGAAATTCTACTC[ACT>A]GGAGCTACTGGAGGAGCGGTCCTTGGGCGCCACCTAGTGAGCAGAATCATAATAGCTAAG-3'